The following is an entry in ClinVar:

NM_001312673.2(PCYT1A):c.58G>C (p.Gly20Arg)

Gene: PCYT1A (phosphate cytidylyltransferase 1A, choline; minus strand). Cytogenetic location: 3q29.
Variant type: single nucleotide variant.
Coding change: c.58G>C on transcript NM_001312673.2 (MANE Select); coding-DNA position 58, G replaced by C.
Protein change: p.Gly20Arg; replaces glycine 20 with arginine.
Molecular consequence: missense variant.
Genome position (GRCh38, 1-based): chr3:196,270,474, C>G on the plus strand (G>C on the coding strand, the complement: PCYT1A is on the minus strand). VCF-style: chr3-196270474-C-G. GRCh37 (hg19) VCF-style: chr3-195997345-C-G.
Other names: c.58G>C, p.Gly20Arg (NM_005017.4); short protein forms G20R.
Identifiers: ClinVar variation 725714 (VCV000725714.14), dbSNP rs142952629, ClinGen allele CA2779662.

ClinVar aggregate classification (germline): Benign/Likely benign. Review status: criteria provided, multiple submitters, no conflicts (2 of 4 stars). 4 submissions from 4 submitters: Benign (2); Likely benign (1). 1 of the submissions does not count toward it. Last evaluated 2025-12-16.

Conditions:
PCYT1A-related disorder. Also called: PCYT1A-related condition.

Allele frequency attached by ClinVar (database versions not stated): TOPMed 0.00087; ExAC 0.00102; 1000 Genomes Project 30x 0.00297; 1000 Genomes Project 0.00359.
gnomAD v4.1: 431 of 1,614,160 alleles (0.027%); highest among the groups gnomAD compares: East Asian, 0.85%; 3 homozygotes.

Submissions (4):

Labcorp Genetics (formerly Invitae), Labcorp
Classification: Benign. Last evaluated: 2025-12-16. Review status: criteria provided, single submitter. Criteria: Invitae Variant Classification Sherloc (09022015). Collection method: clinical testing. Allele origin: germline.

Blueprint Genetics
Classification: Likely benign. Last evaluated: 2024-09-18. Review status: criteria provided, single submitter. Criteria: ACMG Guidelines, 2015. Collection method: clinical testing. Allele origin: germline.

Breakthrough Genomics
Classification: Benign. Review status: criteria provided, single submitter. Criteria: ACMG Guidelines, 2015. Collection method: not provided. Allele origin: germline. Inheritance: Autosomal recessive inheritance. Affected: yes.

PreventionGenetics, part of Exact Sciences
Classification: Benign for PCYT1A-related condition. Last evaluated: 2019-06-21. Review status: no assertion criteria provided. Collection method: clinical testing. Allele origin: germline. Not counted in ClinVar's aggregate classification.
Comment: This variant is classified as benign based on ACMG/AMP sequence variant interpretation guidelines (Richards et al. 2015 PMID: 25741868, with internal and published modifications).